The following is an entry in ClinVar:

NM_000535.7(PMS2):c.106A>T (p.Ser36Cys)

Gene: PMS2 (PMS1 homolog 2, mismatch repair system component; minus strand). Cytogenetic location: 7p22.1.
Variant type: single nucleotide variant.
Coding change: c.106A>T on transcript NM_000535.7 (MANE Select); coding-DNA position 106, A replaced by T.
Protein change: p.Ser36Cys; replaces serine 36 with cysteine.
Molecular consequence: missense variant. On other transcripts: 5 prime UTR variant (38), non-coding transcript variant (1), intron variant (7).
Genome position (GRCh38, 1-based): chr7:6,005,949, T>A on the plus strand (A>T on the coding strand, the complement: PMS2 is on the minus strand). VCF-style: chr7-6005949-T-A. GRCh37 (hg19) VCF-style: chr7-6045580-T-A.
Other names: c.-110A>T (NM_001406903.1, NM_001322007.2, NM_001406876.1 and 4 more transcripts); c.-247A>T (NM_001406904.1, NM_001406907.1, NM_001406909.1 and 5 more transcripts); c.-300A>T (NM_001406905.1, NM_001406906.1, NM_001406908.1 and 10 more transcripts); c.106A>T, p.Ser36Cys (NM_001406912.1, NM_001322006.2, NM_001322014.2 and 10 more transcripts); c.-52-1891A>T (NM_001322008.2); c.-218-1891A>T (NM_001406881.1); c.-189-1891A>T (NM_001406895.1); c.-242-1891A>T (NM_001406911.1, NM_001322010.2, NM_001322004.2); and 7 more; short protein forms S36C, S98C.
Identifiers: ClinVar variation 4862099 (VCV004862099.1).

ClinVar aggregate classification (germline): Uncertain significance (1 of 4 stars; one submission).

Conditions:
Hereditary cancer-predisposing syndrome. Also called: Neoplastic Syndromes, Hereditary; Tumor predisposition; Hereditary Cancer Syndrome; Hereditary neoplastic syndrome. Identifiers: Orphanet 140162, MedGen C0027672, MeSH D009386, MONDO:0015356.

Submission:

Ambry Genetics
Classification: Uncertain significance for Hereditary cancer-predisposing syndrome. Last evaluated: 2026-03-28. Review status: criteria provided, single submitter. Criteria: Ambry Variant Classification Scheme 2023. Collection method: clinical testing. Allele origin: germline.
Comment: The p.S36C variant (also known as c.106A>T), located in coding exon 2 of the PMS2 gene, results from an A to T substitution at nucleotide position 106. The serine at codon 36 is replaced by cysteine, an amino acid with dissimilar properties. This amino acid position is conserved. In addition, the in silico prediction for this alteration is inconclusive. Based on the available evidence, the clinical significance of this variant remains unclear.